The following is an entry in ClinVar:

ClinVar aggregate classification (germline): Likely benign. Review status: criteria provided, multiple submitters, no conflicts (2 of 4 stars). 3 submissions from 3 submitters: Likely benign (3). Last evaluated 2026-08-24.

Conditions:
RPGR-related disorder. Also called: RPGR-related condition.
Primary ciliary dyskinesia. Also called: Ciliary dyskinesia. Identifiers: Orphanet 244, MedGen C0008780, MONDO:0016575, HP:0012265.

Allele frequency attached by ClinVar (database versions not stated): gnomAD exomes 0.00001; TOPMed 0.00003; ExAC 0.00005; gnomAD 0.00005; 1000 Genomes Project 30x 0.00021; 1000 Genomes Project 0.00026.
gnomAD v4.1: 19 of 1,208,962 alleles (0.0016%); highest among the groups gnomAD compares: Middle Eastern, 0.023%; no homozygotes.

Submissions (3):

PreventionGenetics, part of Exact Sciences
Classification: Likely benign for RPGR-related condition. Last evaluated: 2026-08-24. Review status: criteria provided, single submitter. Criteria: ACMG Guidelines, 2015. Collection method: clinical testing. Allele origin: germline.
Comment: This variant is classified as likely benign based on ACMG/AMP sequence variant interpretation guidelines (Richards et al. 2015 PMID: 25741868, with internal and published modifications).

Blueprint Genetics
Classification: Likely benign. Last evaluated: 2023-11-30. Review status: criteria provided, single submitter. Criteria: ACMG Guidelines, 2015. Collection method: clinical testing. Allele origin: germline.

Labcorp Genetics (formerly Invitae), Labcorp
Classification: Likely benign for Primary ciliary dyskinesia. Last evaluated: 2023-07-25. Review status: criteria provided, single submitter. Criteria: Invitae Variant Classification Sherloc (09022015). Collection method: clinical testing. Allele origin: germline.

NM_001034853.2(RPGR):c.1245+7T>C

Gene: RPGR (retinitis pigmentosa GTPase regulator; minus strand). Cytogenetic location: Xp11.4.
Variant type: single nucleotide variant.
Coding change: c.1245+7T>C on transcript NM_001034853.2 (MANE Select); 7 bases into the intron after coding-DNA position 1245, T replaced by C.
Molecular consequence: intron variant.
Genome position (GRCh38, 1-based): chrX:38,298,949, A>G on the plus strand (T>C on the coding strand, the complement: RPGR is on the minus strand). VCF-style: chrX-38298949-A-G. GRCh37 (hg19) VCF-style: chrX-38158202-A-G.
Other names: c.1245+7T>C (NM_001034853.1, NM_001367247.1, NM_000328.3); c.1242+7T>C (NM_001367249.1, NM_001367250.1, NM_001367245.1); c.1060-1497T>C (NM_001367251.1, NM_001367246.1); c.1275+7T>C (NM_001367248.1).
Identifiers: ClinVar variation 2714691 (VCV002714691.5), dbSNP rs201381864, ClinGen allele CA10385512.